The following is an entry in ClinVar:

NM_005676.5(RBM10):c.2375G>A (p.Arg792Gln)

Gene: RBM10 (RNA binding motif protein 10; plus strand). Cytogenetic location: Xp11.3.
Variant type: single nucleotide variant.
Coding change: c.2375G>A on transcript NM_005676.5 (MANE Select); coding-DNA position 2375, G replaced by A.
Protein change: p.Arg792Gln; replaces arginine 792 with glutamine.
Molecular consequence: missense variant.
Genome position (GRCh38, 1-based): chrX:47,185,735, G>A. VCF-style: chrX-47185735-G-A. GRCh37 (hg19) VCF-style: chrX-47045134-G-A.
Other names: c.2144G>A, p.Arg715Gln (NM_001204466.2); c.2372G>A, p.Arg791Gln (NM_001204467.2); c.2570G>A, p.Arg857Gln (NM_001204468.2); c.2141G>A, p.Arg714Gln (NM_152856.3); short protein forms R714Q, R715Q, R791Q, R792Q, R857Q.
Identifiers: ClinVar variation 1186368 (VCV001186368.4), dbSNP rs782351435, ClinGen allele CA10395456.

ClinVar aggregate classification (germline): Uncertain significance. Review status: criteria provided, multiple submitters, no conflicts (2 of 4 stars). 2 submissions from 2 submitters: Uncertain significance (2). Last evaluated 2024-12-23.

Allele frequency attached by ClinVar (database versions not stated): gnomAD exomes below 0.00001; ExAC 0.00001; gnomAD 0.00001; TOPMed 0.00001.
gnomAD v4.1: 5 of 1,210,075 alleles (0.00041%); highest among the groups gnomAD compares: Non-Finnish European, 0.00056%; no homozygotes.

Submissions (2):

Labcorp Genetics (formerly Invitae), Labcorp
Classification: Uncertain significance. Last evaluated: 2024-12-23. Review status: criteria provided, single submitter. Criteria: Invitae Variant Classification Sherloc (09022015). Collection method: clinical testing. Allele origin: germline.
Comment: This sequence change replaces arginine, which is basic and polar, with glutamine, which is neutral and polar, at codon 792 of the RBM10 protein (p.Arg792Gln). This variant is not present in population databases (gnomAD no frequency). This variant has not been reported in the literature in individuals affected with RBM10-related conditions. ClinVar contains an entry for this variant (Variation ID: 1186368). Invitae Evidence Modeling of protein sequence and biophysical properties (such as structural, functional, and spatial information, amino acid conservation, physicochemical variation, residue mobility, and thermodynamic stability) indicates that this missense variant is not expected to disrupt RBM10 protein function with a negative predictive value of 80%. In summary, the available evidence is currently insufficient to determine the role of this variant in disease. Therefore, it has been classified as a Variant of Uncertain Significance.

GeneDx
Classification: Uncertain significance. Last evaluated: 2021-05-05. Review status: criteria provided, single submitter. Criteria: GeneDx Variant Classification Process June 2021. Collection method: clinical testing. Allele origin: germline. Affected: yes.
Comment: Not observed in large population cohorts (Lek et al., 2016); In silico analysis supports that this missense variant does not alter protein structure/function; Has not been previously published as pathogenic or benign to our knowledge